The following is an entry in ClinVar:

NM_022773.4(LMF1):c.*21C>T

Gene: LMF1 (lipase maturation factor 1; minus strand). Cytogenetic location: 16p13.3.
Variant type: single nucleotide variant.
Coding change: c.*21C>T on transcript NM_022773.4 (MANE Select); 21 bases downstream of the stop codon, C replaced by T.
Molecular consequence: 3 prime UTR variant. On other transcripts: non-coding transcript variant (1).
Genome position (GRCh38, 1-based): chr16:854,511, G>A on the plus strand (C>T on the coding strand, the complement: LMF1 is on the minus strand). VCF-style: chr16-854511-G-A. GRCh37 (hg19) VCF-style: chr16-904511-G-A.
Other names: c.*21C>T (NM_001352017.2, NM_001352018.2, NM_001352019.2 and 1 more transcripts); c.*4C>T (NM_001352020.1).
Identifiers: ClinVar variation 4979035 (VCV004979035.1).

ClinVar aggregate classification (germline): Uncertain significance (1 of 4 stars; one submission).

Conditions:
LMF1-related disorder. Also called: LMF1-related condition.

gnomAD v4.1: 82 of 1,599,316 alleles (0.0051%); highest among the groups gnomAD compares: East Asian, 0.1%; no homozygotes.

Submission:

PreventionGenetics, part of Exact Sciences
Classification: Uncertain significance for LMF1-related condition. Last evaluated: 2026-04-26. Review status: criteria provided, single submitter. Criteria: ACMG Guidelines, 2015. Collection method: clinical testing. Allele origin: germline.
Comment: The LMF1 c.*21C>T variant is located in the 3' untranslated region. To our knowledge, this variant has not been reported in the literature. This variant is reported in 0.13% of alleles in individuals of East Asian descent in gnomAD. Although we suspect that this variant may be benign, at this time, the clinical significance of this variant is uncertain due to the absence of conclusive functional and genetic evidence.